The following is an entry in ClinVar:

NM_001289808.2(CRYAB):c.345C>T (p.Ser115=)

Gene: CRYAB (crystallin alpha B; minus strand). Cytogenetic location: 11q23.1.
Variant type: single nucleotide variant.
Coding change: c.345C>T on transcript NM_001289808.2 (MANE Select); coding-DNA position 345, C replaced by T.
Protein change: p.Ser115=; no amino-acid change (serine 115 retained).
Molecular consequence: synonymous variant.
Genome position (GRCh38, 1-based): chr11:111,908,947, G>A on the plus strand (C>T on the coding strand, the complement: CRYAB is on the minus strand). VCF-style: chr11-111908947-G-A. GRCh37 (hg19) VCF-style: chr11-111779671-G-A.
Other names: c.345C>T, p.Ser115= (NM_001289807.1, NM_001368245.1, NM_001885.3); c.144C>T, p.Ser48= (NM_001330379.1, NM_001368246.1).
Identifiers: ClinVar variation 1731612 (VCV001731612.4), dbSNP rs782067034, ClinGen allele CA6275473.

ClinVar aggregate classification (germline): Conflicting classifications of pathogenicity. Review status: criteria provided, conflicting classifications (1 of 4 stars). 3 submissions from 3 submitters: Uncertain significance (1); Likely benign (2). Last evaluated 2025-03-09.

Conditions:
Dilated cardiomyopathy 1II (CMD1II). Identifiers: Orphanet 154, MedGen C3554649, MONDO:0014073, OMIM 615184.
Cardiovascular phenotype. Identifiers: MedGen CN230736.

Allele frequency attached by ClinVar (database versions not stated): gnomAD exomes below 0.00001; TOPMed below 0.00001; ExAC 0.00001; gnomAD 0.00001.
gnomAD v4.1: 4 of 1,613,964 alleles (0.00025%); highest among the groups gnomAD compares: South Asian, 0.0011%; no homozygotes.

Submissions (3):

Labcorp Genetics (formerly Invitae), Labcorp
Classification: Likely benign for Dilated cardiomyopathy 1II. Last evaluated: 2025-03-09. Review status: criteria provided, single submitter. Criteria: Invitae Variant Classification Sherloc (09022015). Collection method: clinical testing. Allele origin: germline.

Blueprint Genetics
Classification: Likely benign. Last evaluated: 2024-03-12. Review status: criteria provided, single submitter. Criteria: ACMG Guidelines, 2015. Collection method: clinical testing. Allele origin: germline.

Ambry Genetics
Classification: Uncertain significance for Cardiovascular phenotype. Last evaluated: 2022-03-14. Review status: criteria provided, single submitter. Criteria: Ambry Variant Classification Scheme 2023. Collection method: clinical testing. Allele origin: germline.
Comment: The c.345C>T variant (also known as p.S115S), located in coding exon 3 of the CRYAB gene, results from a C to T substitution at nucleotide position 345. This nucleotide substitution does not change the serine at codon 115. This nucleotide position is well conserved in available vertebrate species. In silico splice site analysis for this alteration is inconclusive. Since supporting evidence is limited at this time, the clinical significance of this alteration remains unclear.